The following is an entry in ClinVar:

NM_000051.4(ATM):c.2667T>A (p.Tyr889Ter)

Gene: ATM (ATM serine/threonine kinase; plus strand). Cytogenetic location: 11q22.3.
Variant type: single nucleotide variant.
Coding change: c.2667T>A on transcript NM_000051.4 (MANE Select); coding-DNA position 2667, T replaced by A.
Protein change: p.Tyr889Ter; replaces tyrosine 889 with a stop codon.
Molecular consequence: nonsense.
Genome position (GRCh38, 1-based): chr11:108,268,438, T>A. VCF-style: chr11-108268438-T-A. GRCh37 (hg19) VCF-style: chr11-108139165-T-A.
Other names: c.2667T>A, p.Tyr889Ter (NM_001351834.2); short protein forms Y889*.
Identifiers: ClinVar variation 850443 (VCV000850443.9), dbSNP rs2081381578, ClinGen allele CA382545088.

ClinVar aggregate classification (germline): Pathogenic/Likely pathogenic. Review status: criteria provided, multiple submitters, no conflicts (2 of 4 stars). 3 submissions from 3 submitters: Pathogenic (2); Likely pathogenic (1). Last evaluated 2025-12-12.

Conditions:
Familial cancer of breast. Also called: hereditary breast carcinoma; BREAST CANCER, FAMILIAL; Hereditary breast cancer. Identifiers: Orphanet 227535, MedGen C0346153, MONDO:0016419, OMIM 114480. Disease mechanism: loss of function.
Ataxia-telangiectasia syndrome (AT). Also called: Ataxia-telangiectasia, complementation group E; Cerebello-oculocutaneous telangiectasia; Immunodeficiency with ataxia telangiectasia; Ataxia-telangiectasia, complementation group D; AT, COMPLEMENTATION GROUP C; Ataxia-telangiectasia. Identifiers: Orphanet 100, MedGen C0004135, MONDO:0008840, OMIM 208900.

Submissions (3):

Myriad Genetics, Inc.
Classification: Pathogenic for Familial cancer of breast. Last evaluated: 2025-12-12. Review status: criteria provided, single submitter. Criteria: Myriad Autosomal Dominant, Autosomal Recessive and X-Linked Classification Criteria (2023). Collection method: clinical testing. Allele origin: unknown.
Comment: This variant is considered pathogenic. This variant creates a termination codon and is predicted to result in premature protein truncation.

Baylor Genetics
Classification: Likely pathogenic for Familial cancer of breast. Last evaluated: 2023-05-18. Review status: criteria provided, single submitter. Criteria: ACMG Guidelines, 2015. Collection method: clinical testing. Allele origin: unknown.

Labcorp Genetics (formerly Invitae), Labcorp
Classification: Pathogenic for Ataxia-telangiectasia syndrome. Last evaluated: 2021-10-25. Review status: criteria provided, single submitter. Criteria: Invitae Variant Classification Sherloc (09022015). Collection method: clinical testing. Allele origin: germline.
Comment: This sequence change creates a premature translational stop signal (p.Tyr889*) in the ATM gene. It is expected to result in an absent or disrupted protein product. This variant is not present in population databases (ExAC no frequency). This variant has not been reported in the literature in individuals with ATM-related conditions. Loss-of-function variants in ATM are known to be pathogenic (PMID: 23807571, 25614872). For these reasons, this variant has been classified as Pathogenic.

Literature cited by the submitters: PubMed 23807571 (cited by Labcorp Genetics (formerly Invitae), Labcorp); PubMed 25614872 (cited by Labcorp Genetics (formerly Invitae), Labcorp).